The following is an entry in ClinVar:

NM_016507.4(CDK12):c.1915G>C (p.Asp639His)

Gene: CDK12 (cyclin dependent kinase 12; plus strand). Cytogenetic location: 17q12.
Variant type: single nucleotide variant.
Coding change: c.1915G>C on transcript NM_016507.4 (MANE Select); coding-DNA position 1915, G replaced by C.
Protein change: p.Asp639His; replaces aspartic acid 639 with histidine.
Molecular consequence: missense variant.
Genome position (GRCh38, 1-based): chr17:39,471,747, G>C. VCF-style: chr17-39471747-G-C. GRCh37 (hg19) VCF-style: chr17-37628000-G-C.
Other names: c.1915G>C, p.Asp639His (NM_015083.4); short protein forms D639H.
Identifiers: ClinVar variation 4651366 (VCV004651366.1).
Genomic context (GRCh38, chr17:39,471,747, plus strand): 5'-ATTCCACACCTGAAAACTTCAACGTTGCCTCCTTTGCCCCTCCCACCCTTATTACCTGGA[G>C]ATGATGACATGGATAGGTAAGTCCTATAGTGAACTGGAAAAAACCCCCTTGATCTAAACA-3'
Protein context (NP_057591.2, residues 629-649): PLPLPPLLPG[Asp639His]DDMDSPKETL

ClinVar aggregate classification (germline): Uncertain significance (1 of 4 stars; one submission).

gnomAD v4.1: 1 of 1,612,236 alleles (0.000062%); highest among the groups gnomAD compares: Admixed American, 0.0017%; no homozygotes.

Submission:

Ambry Genetics
Classification: Uncertain significance. Last evaluated: 2025-10-10. Review status: criteria provided, single submitter. Criteria: Ambry Variant Classification Scheme 2023. Collection method: clinical testing. Allele origin: germline.
Comment: The p.D639H variant (also known as c.1915G>C), located in coding exon 2 of the CDK12 gene, results from a G to C substitution at nucleotide position 1915. The aspartic acid at codon 639 is replaced by histidine, an amino acid with similar properties. This amino acid position is conserved. In addition, this alteration is predicted to be tolerated by in silico analysis. Based on the available evidence, the clinical significance of this variant remains unclear.